The following is an entry in ClinVar:

NM_030662.4(MAP2K2):c.643G>T (p.Val215Leu)

Gene: MAP2K2 (mitogen-activated protein kinase kinase 2; minus strand). Cytogenetic location: 19p13.3.
Variant type: single nucleotide variant.
Coding change: c.643G>T on transcript NM_030662.4 (MANE Select); coding-DNA position 643, G replaced by T.
Protein change: p.Val215Leu; replaces valine 215 with leucine.
Molecular consequence: missense variant.
Genome position (GRCh38, 1-based): chr19:4,101,081, C>A on the plus strand (G>T on the coding strand, the complement: MAP2K2 is on the minus strand). VCF-style: chr19-4101081-C-A. GRCh37 (hg19) VCF-style: chr19-4101079-C-A.
Other names: short protein forms V215L.
Identifiers: ClinVar variation 864097 (VCV000864097.10), dbSNP rs771480968, ClinGen allele CA9090861.

ClinVar aggregate classification (germline): Uncertain significance. Review status: criteria provided, multiple submitters, no conflicts (2 of 4 stars). 3 submissions from 3 submitters: Uncertain significance (2). 1 of the submissions does not count toward it. Last evaluated 2025-06-22.

Conditions:
Cardiovascular phenotype. Identifiers: MedGen CN230736.
RASopathy. Also called: Noonan spectrum disorder; rasopathies. Identifiers: Orphanet 536391, MedGen C5555857, MONDO:0021060.
Noonan syndrome (NS). Also called: Noonan's syndrome. Identifiers: Orphanet 648, MedGen C0028326, MeSH D009634, MONDO:0018997. Disease mechanism: gain of function.

Allele frequency attached by ClinVar (database versions not stated): gnomAD 0.00001; ExAC 0.00003; TOPMed 0.00003; gnomAD exomes 0.00004.

Submissions (3):

Labcorp Genetics (formerly Invitae), Labcorp
Classification: Uncertain significance for RASopathy. Last evaluated: 2025-06-22. Review status: criteria provided, single submitter. Criteria: Invitae Variant Classification Sherloc (09022015). Collection method: clinical testing. Allele origin: germline.
Comment: This sequence change replaces valine, which is neutral and non-polar, with leucine, which is neutral and non-polar, at codon 215 of the MAP2K2 protein (p.Val215Leu). The frequency data for this variant in the population databases is considered unreliable, as metrics indicate poor data quality at this position in the gnomAD database. This missense change has been observed in individual(s) with clinical features of MAP2K2-related conditions (PMID: 30141192). ClinVar contains an entry for this variant (Variation ID: 864097). Invitae Evidence Modeling incorporating data from in vitro experimental studies (internal data) indicates that this missense variant is not expected to disrupt MAP2K2 function with a negative predictive value of 95%. In summary, the available evidence is currently insufficient to determine the role of this variant in disease. Therefore, it has been classified as a Variant of Uncertain Significance.

Ambry Genetics
Classification: Uncertain significance for Cardiovascular phenotype. Last evaluated: 2021-06-25. Review status: criteria provided, single submitter. Criteria: Ambry Variant Classification Scheme 2023. Collection method: clinical testing. Allele origin: germline.
Comment: The p.V215L variant (also known as c.643G>T), located in coding exon 6 of the MAP2K2 gene, results from a G to T substitution at nucleotide position 643. The valine at codon 215 is replaced by leucine, an amino acid with highly similar properties. This amino acid position is conserved. In addition, the in silico prediction for this alteration is inconclusive. Since supporting evidence is limited at this time, the clinical significance of this alteration remains unclear.

Service de Génétique Moléculaire, Hôpital Robert Debré
Classification: Likely benign for Noonan syndrome. Review status: no assertion criteria provided. Collection method: clinical testing. Allele origin: paternal. Affected: no. Not counted in ClinVar's aggregate classification.

Literature cited by the submitters: PubMed 30141192 (cited by Labcorp Genetics (formerly Invitae), Labcorp).